The following is an entry in ClinVar:

NM_006904.7(PRKDC):c.12074G>A (p.Gly4025Glu)

Gene: PRKDC (protein kinase, DNA-activated, catalytic subunit; minus strand). Cytogenetic location: 8q11.21.
Variant type: single nucleotide variant.
Coding change: c.12074G>A on transcript NM_006904.7 (MANE Select); coding-DNA position 12074, G replaced by A.
Protein change: p.Gly4025Glu; replaces glycine 4025 with glutamic acid.
Molecular consequence: missense variant.
Genome position (GRCh38, 1-based): chr8:47,776,952, C>T on the plus strand (G>A on the coding strand, the complement: PRKDC is on the minus strand). VCF-style: chr8-47776952-C-T. GRCh37 (hg19) VCF-style: chr8-48689513-C-T.
Other names: c.11981G>A, p.Gly3994Glu (NM_001081640.2); short protein forms G3994E, G4025E.
Identifiers: ClinVar variation 1715043 (VCV001715043.6), dbSNP rs897396682, ClinGen allele CA176132542.

ClinVar aggregate classification (germline): Uncertain significance (1 of 4 stars; one submission).

Conditions:
Severe combined immunodeficiency due to DNA-PKcs deficiency. Also called: IMMUNODEFICIENCY 26 WITH NEUROLOGIC ABNORMALITIES; Immunodeficiency 26 with or without neurologic abnormalities. Identifiers: Orphanet 317425, MedGen C4014833, MONDO:0014423, OMIM 615966.

Submission:

Labcorp Genetics (formerly Invitae), Labcorp
Classification: Uncertain significance for Severe combined immunodeficiency due to DNA-PKcs deficiency. Last evaluated: 2025-04-14. Review status: criteria provided, single submitter. Criteria: Invitae Variant Classification Sherloc (09022015). Collection method: clinical testing. Allele origin: germline.
Comment: This sequence change replaces glycine, which is neutral and non-polar, with glutamic acid, which is acidic and polar, at codon 4025 of the PRKDC protein (p.Gly4025Glu). This variant is not present in population databases (gnomAD no frequency). This variant has not been reported in the literature in individuals affected with PRKDC-related conditions. ClinVar contains an entry for this variant (Variation ID: 1715043). Invitae Evidence Modeling of protein sequence and biophysical properties (such as structural, functional, and spatial information, amino acid conservation, physicochemical variation, residue mobility, and thermodynamic stability) indicates that this missense variant is expected to disrupt PRKDC protein function with a positive predictive value of 80%. In summary, the available evidence is currently insufficient to determine the role of this variant in disease. Therefore, it has been classified as a Variant of Uncertain Significance.